The following is an entry in ClinVar:

ClinVar aggregate classification (germline): Uncertain significance (1 of 4 stars; one submission).

Submission:

Dasa
Classification: Uncertain significance. Last evaluated: 2026-02-16. Review status: criteria provided, single submitter. Criteria: DASA Assertion Criteria. Collection method: clinical testing. Allele origin: germline.
Comment: NM_006245.4(PPP2R5D):c.225del (p.Gln79Argfs*28) is a frameshift variant in PPP2R5D predicted to alter the reading frame and introduce a premature termination codon. This variant is rare in population databases. The currently available literature and clinical evidence are not sufficient to establish a definitive association between this variant and the reported condition. Therefore, this variant is classified as a variant of uncertain significance.

NM_006245.4(PPP2R5D):c.225del (p.Gln79fs)

Gene: PPP2R5D (protein phosphatase 2 regulatory subunit B'delta; plus strand). Cytogenetic location: 6p21.1.
Variant type: Deletion.
Coding change: c.225del on transcript NM_006245.4 (MANE Select); coding-DNA position 225, one base deleted (A; older notation c.225delA).
Protein change: p.Gln79fs; shifts the reading frame from glutamine 79.
Molecular consequence: frameshift variant. On other transcripts: 5 prime UTR variant (1), intron variant (1).
Genome position (GRCh38, 1-based): chr6:43,006,582, A deleted. VCF-style (leftmost placement, unchanged base first): chr6-43006581-CA-C. GRCh37 (hg19) VCF-style: chr6-42974319-CA-C.
Other names: c.-229del (NM_001270476.2); c.225del, p.Gln79fs (NM_180976.3); c.28-352del (NM_180977.3); short protein forms Q79fs.
Identifiers: ClinVar variation 4883863 (VCV004883863.2).
Genomic context (GRCh38, chr6:43,006,581, plus strand): 5'-CCAACAAGCGTCCCAGCAATAGCACGCCGCCCCCCACGCAGCTCAGCAAAATCAAGTACT[CA>C]GGGGGGCCCCAGATTGTCAAGAAGGAGCGACGGCAAAGCTCCTCCCGCTTCAACCTCAGC-3'